The following is an entry in ClinVar:

NM_000038.6(APC):c.834+6854C>A

Gene: APC (APC regulator of WNT signaling pathway; plus strand). Cytogenetic location: 5q22.2.
Variant type: single nucleotide variant.
Coding change: c.834+6854C>A on transcript NM_000038.6 (MANE Select); 6854 bases into the intron after coding-DNA position 834, C replaced by A.
Molecular consequence: intron variant.
Genome position (GRCh38, 1-based): chr5:112,808,237, C>A. VCF-style: chr5-112808237-C-A. GRCh37 (hg19) VCF-style: chr5-112143934-C-A.
Other names: c.834+6854C>A (NM_001354895.2, NM_001127510.3, NM_001354896.2 and 1 more transcripts); c.864+6854C>A (NM_001354897.2, NM_001354902.2); c.780+6854C>A (NM_001127511.3); c.759+6854C>A (NM_001354898.2, NM_001354904.2); c.-201-1889C>A (NM_001354906.2); c.750+6854C>A (NM_001354899.2); c.657+6854C>A (NM_001354900.2, NM_001354901.2, NM_001354905.2).
Identifiers: ClinVar variation 82539 (VCV000082539.2), dbSNP rs78184562, ClinGen allele CA015033.

ClinVar aggregate classification (germline): other (0 of 4 stars; one submission).

Conditions:
Familial colorectal cancer. Identifiers: MedGen CN280943, MONDO:0023113. Disease mechanism: loss of function.

Submission:

Systems Biology Platform Zhejiang California International NanoSystems Institute
Classification: other for Familial colorectal cancer. Review status: no assertion criteria provided. Collection method: not provided. Allele origin: unknown.
ClinVar note: Converted during submission from cancer to other.